The following is an entry in ClinVar:

NM_001267550.2(TTN):c.78604A>C (p.Thr26202Pro)

Genes: TTN (titin; minus strand), TTN-AS1 (TTN antisense RNA 1; plus strand). Cytogenetic location: 2q31.2.
Variant type: single nucleotide variant.
Coding change: c.78604A>C on transcript NM_001267550.2 (MANE Select); coding-DNA position 78604, A replaced by C.
Protein change: p.Thr26202Pro; replaces threonine 26202 with proline.
Molecular consequence: missense variant.
Genome position (GRCh38, 1-based): chr2:178,567,528, T>G on the plus strand (A>C on the coding strand, the complement: TTN is on the minus strand). VCF-style: chr2-178567528-T-G. GRCh37 (hg19) VCF-style: chr2-179432255-T-G.
Other names: c.73681A>C, p.Thr24561Pro (NM_001256850.1); c.51409A>C, p.Thr17137Pro (NM_003319.4); c.70900A>C, p.Thr23634Pro (NM_133378.4); c.51784A>C, p.Thr17262Pro (NM_133432.3); c.51985A>C, p.Thr17329Pro (NM_133437.4); short protein forms T17137P, T17262P, T17329P, T23634P, T24561P, T26202P.
Identifiers: ClinVar variation 3358748 (VCV003358748.1).

ClinVar aggregate classification (germline): Uncertain significance (0 of 4 stars; one submission).

Conditions:
TTN-related disorder. Also called: TTN-related condition; TTN-related disease; TTN-related disorders.

gnomAD v4.1: 3 of 1,611,594 alleles (0.00019%); highest among the groups gnomAD compares: Middle Eastern, 0.017%; no homozygotes.

Submission:

PreventionGenetics, part of Exact Sciences
Classification: Uncertain significance for TTN-related condition. Last evaluated: 2024-06-06. Review status: no assertion criteria provided. Collection method: clinical testing. Allele origin: germline.
Comment: The TTN c.78604A>C variant is predicted to result in the amino acid substitution p.Thr26202Pro. To our knowledge, this variant has not been reported in the literature. This variant is reported in 0.0033% of alleles in individuals of South Asian descent in gnomAD. At this time, the clinical significance of this variant is uncertain due to the absence of conclusive functional and genetic evidence.